The following is an entry in ClinVar:

NM_001123385.2(BCOR):c.1952T>C (p.Ile651Thr)

Gene: BCOR (BCL6 corepressor; minus strand). Cytogenetic location: Xp11.4.
Variant type: single nucleotide variant.
Coding change: c.1952T>C on transcript NM_001123385.2 (MANE Select); coding-DNA position 1952, T replaced by C.
Protein change: p.Ile651Thr; replaces isoleucine 651 with threonine.
Molecular consequence: missense variant.
Genome position (GRCh38, 1-based): chrX:40,073,394, A>G on the plus strand (T>C on the coding strand, the complement: BCOR is on the minus strand). VCF-style: chrX-40073394-A-G. GRCh37 (hg19) VCF-style: chrX-39932647-A-G.
Other names: c.1952T>C, p.Ile651Thr (NM_001123383.2, NM_001123384.2, NM_017745.6); short protein forms I651T.
Identifiers: ClinVar variation 1305638 (VCV001305638.3), dbSNP rs746064364, ClinGen allele CA10386853.

ClinVar aggregate classification (germline): Uncertain significance (1 of 4 stars; one submission).

Allele frequency attached by ClinVar (database versions not stated): gnomAD exomes 0.00001; ExAC 0.00001.
gnomAD v4.1: 4 of 1,212,183 alleles (0.00033%); highest among the groups gnomAD compares: Non-Finnish European, 0.00045%; no homozygotes.

Submission:

GeneDx
Classification: Uncertain significance. Last evaluated: 2024-01-29. Review status: criteria provided, single submitter. Criteria: GeneDx Variant Classification Process June 2021. Collection method: clinical testing. Allele origin: germline. Affected: yes.
Comment: In silico analysis supports that this missense variant has a deleterious effect on protein structure/function; Has not been previously published as pathogenic or benign to our knowledge